The following is an entry in ClinVar:

NM_005157.6(ABL1):c.1096G>T (p.Ala366Ser)

Gene: ABL1 (ABL proto-oncogene 1, non-receptor tyrosine kinase; plus strand). Cytogenetic location: 9q34.12.
Variant type: single nucleotide variant.
Coding change: c.1096G>T on transcript NM_005157.6 (MANE Select); coding-DNA position 1096, G replaced by T.
Protein change: p.Ala366Ser; replaces alanine 366 with serine.
Molecular consequence: missense variant.
Genome position (GRCh38, 1-based): chr9:130,874,878, G>T. VCF-style: chr9-130874878-G-T. GRCh37 (hg19) VCF-style: chr9-133750265-G-T.
Other names: c.1153G>T, p.Ala385Ser (NM_007313.3); short protein forms A366S, A385S.
Identifiers: ClinVar variation 3360327 (VCV003360327.1).

ClinVar aggregate classification (germline): Uncertain significance (1 of 4 stars; one submission).

Submission:

GeneDx
Classification: Uncertain significance. Last evaluated: 2023-06-26. Review status: criteria provided, single submitter. Criteria: GeneDx Variant Classification Process June 2021. Collection method: clinical testing. Allele origin: germline. Affected: yes.
Comment: Not observed at significant frequency in large population cohorts (gnomAD); In silico analysis supports that this missense variant has a deleterious effect on protein structure/function; Has not been previously published as pathogenic or benign to our knowledge